The following is an entry in ClinVar:

NM_000381.4(MID1):c.1562G>T (p.Arg521Leu)

Gene: MID1 (midline 1; minus strand). Cytogenetic location: Xp22.2.
Variant type: single nucleotide variant.
Coding change: c.1562G>T on transcript NM_000381.4 (MANE Select); coding-DNA position 1562, G replaced by T.
Protein change: p.Arg521Leu; replaces arginine 521 with leucine.
Molecular consequence: missense variant.
Genome position (GRCh38, 1-based): chrX:10,454,963, C>A on the plus strand (G>T on the coding strand, the complement: MID1 is on the minus strand). VCF-style: chrX-10454963-C-A. GRCh37 (hg19) VCF-style: chrX-10423003-C-A.
Other names: c.1562G>T, p.Arg521Leu (NM_001098624.2, NM_001193277.1, NM_001347733.2 and 1 more transcripts); c.1448G>T, p.Arg483Leu (NM_033289.2); short protein forms R521L, R483L.
Identifiers: ClinVar variation 1775299 (VCV001775299.2), dbSNP rs369909019, ClinGen allele CA326620424.

ClinVar aggregate classification (germline): Uncertain significance (1 of 4 stars; one submission).

Conditions:
Inborn genetic diseases. Identifiers: MedGen C0950123, MeSH D030342.

Allele frequency attached by ClinVar (database versions not stated): ESP Exome Variant Server 0.00009.
gnomAD v4.1: 19 of 1,209,297 alleles (0.0016%); highest among the groups gnomAD compares: Non-Finnish European, 0.0021%; no homozygotes.

Submission:

Ambry Genetics
Classification: Uncertain significance for Inborn genetic diseases. Last evaluated: 2020-08-28. Review status: criteria provided, single submitter. Criteria: Ambry Variant Classification Scheme 2023. Collection method: clinical testing. Allele origin: germline.
Comment: The p.R521L variant (also known as c.1562G>T), located in coding exon 8 of the MID1 gene, results from a G to T substitution at nucleotide position 1562. The arginine at codon 521 is replaced by leucine, an amino acid with dissimilar properties. This amino acid position is highly conserved in available vertebrate species. In addition, this alteration is predicted to be deleterious by in silico analysis. Since supporting evidence is limited at this time, the clinical significance of this alteration remains unclear.